The following is an entry in ClinVar:

NM_000254.3(MTR):c.2866A>G (p.Ile956Val)

Gene: MTR (5-methyltetrahydrofolate-homocysteine methyltransferase; plus strand). Cytogenetic location: 1q43.
Variant type: single nucleotide variant.
Coding change: c.2866A>G on transcript NM_000254.3 (MANE Select); coding-DNA position 2866, A replaced by G.
Protein change: p.Ile956Val; replaces isoleucine 956 with valine.
Molecular consequence: missense variant.
Genome position (GRCh38, 1-based): chr1:236,889,195, A>G. VCF-style: chr1-236889195-A-G. GRCh37 (hg19) VCF-style: chr1-237052495-A-G.
Other names: c.2713A>G, p.Ile905Val (NM_001291939.1); c.1645A>G, p.Ile549Val (NM_001291940.2); c.2677A>G, p.Ile893Val (NM_001410942.1); short protein forms I549V, I893V, I905V, I956V.
Identifiers: ClinVar variation 1716464 (VCV001716464.3), dbSNP rs2528469121, ClinGen allele CA345385824.

ClinVar aggregate classification (germline): Uncertain significance (1 of 4 stars; one submission).

Conditions:
Methylcobalamin deficiency type cblG (HMAG). Also called: Functional methionine synthase deficiency type cblG; HOMOCYSTINURIA-MEGALOBLASTIC ANEMIA, cblG TYPE; HOMOCYSTINURIA-MEGALOBLASTIC ANEMIA, cblG COMPLEMENTATION TYPE; HOMOCYSTINURIA-MEGALOBLASTIC ANEMIA DUE TO DEFECT IN COBALAMIN METABOLISM, cblG COMPLEMENTATION TYPE. Identifiers: Orphanet 2170, Orphanet 622, MedGen C1855128, MONDO:0009609, OMIM 250940.

Submission:

Labcorp Genetics (formerly Invitae), Labcorp
Classification: Uncertain significance for Methylcobalamin deficiency type cblG. Last evaluated: 2022-08-15. Review status: criteria provided, single submitter. Criteria: Invitae Variant Classification Sherloc (09022015). Collection method: clinical testing. Allele origin: germline.
Comment: This sequence change replaces isoleucine, which is neutral and non-polar, with valine, which is neutral and non-polar, at codon 956 of the MTR protein (p.Ile956Val). This variant is not present in population databases (gnomAD no frequency). This variant has not been reported in the literature in individuals affected with MTR-related conditions. Algorithms developed to predict the effect of missense changes on protein structure and function (SIFT, PolyPhen-2, Align-GVGD) all suggest that this variant is likely to be tolerated. In summary, the available evidence is currently insufficient to determine the role of this variant in disease. Therefore, it has been classified as a Variant of Uncertain Significance.